The following is an entry in ClinVar:

ClinVar aggregate classification (germline): Uncertain significance (1 of 4 stars; one submission).

Conditions:
BRCA2-related cancer predisposition. Identifiers: MedGen CN377758, MONDO:0700269.

Submission:

All of Us Research Program, National Institutes of Health
Classification: Uncertain significance for BRCA2-related cancer predisposition. Last evaluated: 2024-01-12. Review status: criteria provided, single submitter. Criteria: ACMG Guidelines, 2015. Collection method: clinical testing. Allele origin: germline. Inheritance: Autosomal dominant inheritance. Observed: 1 variant allele, 1 heterozygote.
Comment: This study involves interpretation of variants in research participants for the purpose of population health screening. Participant phenotype was not available at the time of variant classification. Additional details can be found in publication PMID: 35346344, PMCID: PMC8962531

NM_000059.4(BRCA2):c.3645del (p.Phe1216fs)

Gene: BRCA2 (BRCA2 DNA repair associated; plus strand). Cytogenetic location: 13q13.1.
Variant type: Deletion.
Coding change: c.3645del on transcript NM_000059.4 (MANE Select); coding-DNA position 3645, one base deleted (G; older notation c.3645delG).
Protein change: p.Phe1216fs; shifts the reading frame from phenylalanine 1216.
Molecular consequence: frameshift variant.
Genome position (GRCh38, 1-based): chr13:32,338,000, G deleted; the last of 4 consecutive G bases (chr13:32,337,997-32,338,000); deleting any one gives the same sequence. VCF-style (leftmost placement, unchanged base first): chr13-32337996-TG-T. GRCh37 (hg19) VCF-style: chr13-32912133-TG-T.
Other names: short protein forms F1216fs.
Identifiers: ClinVar variation 3386243 (VCV003386243.1).